The following continues an entry in ClinVar:

NM_000271.5(NPC1):c.3019C>G (p.Pro1007Ala)

Gene: NPC1. ClinVar aggregate classification (germline): Pathogenic. Pathogenic (23).

Submissions 12 to 31 of 31:

Dasa
Classification: Pathogenic for Niemann-Pick disease, type C1. Last evaluated: 2022-03-05. Review status: criteria provided, single submitter. Criteria: ACMG Guidelines, 2015. Collection method: clinical testing. Allele origin: germline. Affected: yes. Observed: 1 variant allele.
Comment: Well-established in vitro or in vivo functional studies supportive of a damaging effect on the gene or gene product (PMID: 12955717; 20554533) - PS3_moderate.The c.3019C>G;p.(Pro1007Ala) missense variant has been observed in affected individual(s) and ClinVar contains an entry for this variant (ClinVar ID: 2966; PMID 14639697; PMID: 23773996; PMID: 23791518; PMID: 23427322; PMID: 26666848) - PS4. The variant is located in a mutational hot spot and/or critical and well-established functional domain PM1. The variant is present at low allele frequencies population databases (rs80358257 – gnomAD 0.001167%; ABraOM 0.000427 frequency) - PM2_supporting. The p.(Pro1007Ala) was detected in trans with a pathogenic variant (PMID 14639697; PMID: 23773996; PMID: 23791518) - PM3. Multiple lines of computational evidence support a deleterious effect on the gene or gene product - PP3. In summary, the currently available evidence indicates that the variant is pathogenic.

GeneDx
Classification: Pathogenic. Last evaluated: 2021-11-02. Review status: criteria provided, single submitter. Criteria: GeneDx Variant Classification Process June 2021. Collection method: clinical testing. Allele origin: germline. Affected: yes.
Comment: In silico analysis supports that this missense variant has a deleterious effect on protein structure/function; This variant is associated with the following publications: (PMID: 24676439, 28332184, 32222928, 31980526, 23487299, 24570279, 25131710, 23183285, 28105569, 26981555, 23427322, 26790753, 10521290, 26338816, 24119781, 25236789, 30202070, 28186668, 24915861, 23773996, 23791518, 24386122, 14639697, 11349231, 26666848, 30548255, 16126423, 32138288, 32488064, 33726816)

Centre for Inherited Metabolic Diseases, Karolinska University Hospital
Classification: Pathogenic for Niemann-Pick disease, type C1. Last evaluated: 2021-04-07. Review status: criteria provided, single submitter. Criteria: ACMG Guidelines, 2015. Collection method: clinical testing. Allele origin: germline. Inheritance: Autosomal recessive inheritance. Affected: yes. Observed: 1 variant allele.

Institute of Medical Genetics and Applied Genomics, University Hospital Tübingen
Classification: Pathogenic. Last evaluated: 2020-10-23. Review status: criteria provided, single submitter. Criteria: ACMG Guidelines, 2015. Collection method: clinical testing. Allele origin: germline. Inheritance: Unknown mechanism. Affected: yes.

Revvity Omics, Revvity
Classification: Pathogenic for Niemann-Pick disease, type C1. Last evaluated: 2020-02-27. Review status: criteria provided, single submitter. Criteria: ACMG Guidelines, 2015. Collection method: clinical testing. Allele origin: germline.

Myriad Genetics, Inc.
Classification: Pathogenic for Niemann-Pick disease, type C1. Last evaluated: 2019-12-24. Review status: criteria provided, single submitter. Criteria: Myriad Women's Health Autosomal Recessive and X-Linked Classification Criteria (2019). Collection method: clinical testing. Allele origin: unknown.
Comment: NM_000271.4(NPC1):c.3019C>G(P1007A) is classified as pathogenic in the context of Niemann-Pick disease type C1. Sources cited for classification include the following: PMID 16098014, 11479732 and 11333381. Classification of NM_000271.4(NPC1):c.3019C>G(P1007A) is based on the following criteria: This is a well-established pathogenic variant in the literature that has been observed more frequently in patients with clinical diagnoses than in healthy populations. Please note: this variant was assessed in the context of healthy population screening.â€šÃ„Ã¶âˆšÃ‘âˆšÂ£

Mendelics
Classification: Pathogenic for Niemann-Pick disease, type C1. Last evaluated: 2019-05-28. Review status: criteria provided, single submitter. Criteria: Mendelics Assertion Criteria 2017. Collection method: clinical testing. Allele origin: unknown.

Fulgent Genetics
Classification: Pathogenic for Niemann-Pick disease, type C1. Last evaluated: 2017-05-18. Review status: criteria provided, single submitter. Criteria: ACMG Guidelines, 2015. Collection method: clinical testing. Allele origin: unknown.

Illumina Laboratory Services, Illumina
Classification: Pathogenic for Niemann-Pick disease, type C1. Last evaluated: 2017-04-27. Review status: criteria provided, single submitter. Criteria: ICSL Variant Classification Criteria 09 May 2019. Collection method: clinical testing. Allele origin: germline.
Comment: The NPC1 gene is one of two genes in which variants are known to cause Niemann-Pick disease type C. The NPC1 c.3019C>G (p.Pro1007Ala) variant is widely reported as a pathogenic variant and is the second most common pathogenic allele in Western Europe and the US (Patterson et al. 2000). Across a selection of the available literature, the p.Pro1007Ala variant has been identified in at least 44 Niemann-Pick disease type C patients including eight in a homozygous state, 33 in a compound heterozygous state, and three in a heterozygous state (Greer et al. 1999; Ribeiro et al. 2001; Sun et al. 2001; Millat et al. 2001; Bauer et al. 2002; Tarugi et al. 2002; Fernandez-Valero et al. 2005; Jahnova et al. 2014; Pina-Aguilar et al. 2014; Abela et al. 2014; Imrie et al. 2015). The p.Pro1007Ala variant is described as being associated with a variant form of Niemann-Pick disease type C, which presents with a non-classical biochemical profile (Millat et al. 2001; Sun et al. 2001). Control data are unavailable for this variant, which is reported at a frequency of 0.00019 in the European (non-Finnish) population of the Exome Aggregation Consortium. Based on the collective evidence the p.Pro1007Ala variant is classified as pathogenic for Niemann-Pick disease type C. This variant was observed by ICSL as part of a predisposition screen in an ostensibly healthy population.

Women's Health and Genetics/Laboratory Corporation of America, LabCorp
Classification: Pathogenic for Niemann-Pick disease, type C. Last evaluated: 2017-04-26. Review status: criteria provided, single submitter. Criteria: LabCorp Variant Classification Summary - May 2015. Collection method: clinical testing. Allele origin: germline.
Comment: Variant summary: The NPC1 c.3019C>G (p.Pro1007Ala) variant involves the alteration of a highly conserved nucleotide. 4/4 in silico tools predict a damaging outcome for this variant (SNPs&GO not captured due to low reliability index). This variant was found in 14/121408 control chromosomes at a frequency of 0.0001153, which does not exceed the estimated maximal expected allele frequency of a pathogenic NPC1 variant (0.0027735). The variant has been reported numerous times in the literature in affected individuals in both the homozygous and compound heterozygous state. Multiple clinical labs classify the variant as pathogenic. Taken together, this variant is classified as pathogenic.

Eurofins Ntd Llc (ga)
Classification: Pathogenic. Last evaluated: 2014-12-04. Review status: criteria provided, single submitter. Criteria: EGL Classification Definitions 2015. Collection method: clinical testing. Allele origin: germline. Observed: 2 variant alleles, 2 heterozygotes.

Centre for Mendelian Genomics, University Medical Centre Ljubljana
Classification: Pathogenic for Ataxia; Cataplexy; Cognitive impairment; Headache; Postural instability; Speech apraxia. Last evaluated: 2014-10-07. Review status: criteria provided, single submitter. Criteria: ACMG Guidelines, 2015. Collection method: clinical testing. Allele origin: unknown. Affected: yes.

Solve-RD Consortium
Classification: Likely pathogenic for Niemann-Pick disease, type C1. Last evaluated: 2022-06-01. Review status: no assertion criteria provided. Collection method: provider interpretation. Allele origin: inherited. Affected: yes. Not counted in ClinVar's aggregate classification.
Comment: Variant confirmed as disease-causing by referring clinical team

Variant identified during reanalysis of unsolved cases by the Solve-RD project. The Solve-RD project has received funding from the European Union’s Horizon 2020 research and innovation programme under grant agreement No 779257.

Genome Diagnostics Laboratory, Amsterdam University Medical Center
Classification: Likely pathogenic for Niemann-Pick disease, type C1. Last evaluated: 2016-11-03. Review status: no assertion criteria provided. Criteria: ACGS Guidelines, 2013. Collection method: clinical testing. Allele origin: germline. Affected: yes. Study: VKGL Data-share Consensus. Not counted in ClinVar's aggregate classification.

OMIM
Classification: Pathogenic for NIEMANN-PICK DISEASE, VARIANT TYPE C1. Last evaluated: 2001-06-01. Review status: no assertion criteria provided. Collection method: literature only. Allele origin: germline. Not counted in ClinVar's aggregate classification.

Clinical Genetics DNA and cytogenetics Diagnostics Lab, Erasmus MC, Erasmus Medical Center
Classification: Likely pathogenic. Review status: no assertion criteria provided. Collection method: clinical testing. Allele origin: germline. Affected: yes. Study: VKGL Data-share Consensus. Not counted in ClinVar's aggregate classification.

Diagnostic Laboratory, Department of Genetics, University Medical Center Groningen
Classification: Pathogenic for Niemann-Pick disease, type C1. Review status: no assertion criteria provided. Collection method: clinical testing. Allele origin: germline. Affected: yes. Study: VKGL Data-share Consensus. Not counted in ClinVar's aggregate classification.

GeneReviews
No classification provided. Condition: Niemann-Pick disease, type C1. Review status: no classification provided. Collection method: literature only. Allele origin: unknown. Not counted in ClinVar's aggregate classification.

Joint Genome Diagnostic Labs from Nijmegen and Maastricht, Radboudumc and MUMC+
Classification: Pathogenic. Review status: no assertion criteria provided. Collection method: clinical testing. Allele origin: germline. Affected: yes. Study: VKGL Data-share Consensus. Not counted in ClinVar's aggregate classification.

Clinical Genetics DNA and cytogenetics Diagnostics Lab, Erasmus MC, Erasmus Medical Center
Classification: Uncertain significance for Niemann-Pick disease, type C1. Last evaluated: 2017-08-02. Review status: flagged submission. Criteria: ACGS Guidelines, 2013. Collection method: clinical testing. Allele origin: germline. Affected: yes. Study: VKGL Data-share Consensus. Not counted in ClinVar's aggregate classification.
ClinVar note: Reason: Outlier claim with insufficient supporting evidence

Literature cited by the submitters: PubMed 17160617 (cited by 3billion); PubMed 10521290 (cited by 4 submitters); PubMed 11754101 (cited by Labcorp Genetics (formerly Invitae), Labcorp and Illumina Laboratory Services, Illumina); PubMed 14639697 (cited by Labcorp Genetics (formerly Invitae), Labcorp and Dasa); PubMed 23183285 (cited by Labcorp Genetics (formerly Invitae), Labcorp); PubMed 23791518 (cited by Labcorp Genetics (formerly Invitae), Labcorp and Dasa); PubMed 25425405 (cited by Labcorp Genetics (formerly Invitae), Labcorp and Illumina Laboratory Services, Illumina); PubMed 26981555 (cited by 3 submitters); PubMed 15937921 (cited by Labcorp Genetics (formerly Invitae), Labcorp); PubMed 11333381 (cited by 6 submitters); PubMed 25236789 (cited by Ambry Genetics and Illumina Laboratory Services, Illumina); PubMed 32138288 (cited by Ambry Genetics); PubMed 32248828 (cited by Ambry Genetics); PubMed 12955717 (cited by Dasa); PubMed 20554533 (cited by Dasa); PubMed 23773996 (cited by Dasa and Women's Health and Genetics/Laboratory Corporation of America, LabCorp); PubMed 23427322 (cited by Dasa); PubMed 26666848 (cited by Dasa and Illumina Laboratory Services, Illumina); PubMed 16098014 (cited by 3 submitters); PubMed 11479732 (cited by Myriad Genetics, Inc. and Illumina Laboratory Services, Illumina); PubMed 12401890 (cited by Illumina Laboratory Services, Illumina); PubMed 25349751 (cited by Illumina Laboratory Services, Illumina); PubMed 11349231 (cited by 3 submitters); PubMed 39825153 (cited by Solve-RD Consortium); PubMed 20301473 (cited by GeneReviews); NCBI Bookshelf NBK1296 (cited by GeneReviews).